The following is an entry in ClinVar:

ClinVar aggregate classification (germline): Pathogenic (1 of 4 stars; one submission).

Conditions:
Niemann-Pick disease, type C1. Also called: NEUROVISCERAL STORAGE DISEASE WITH VERTICAL SUPRANUCLEAR OPHTHALMOPLEGIA; NIEMANN-PICK DISEASE WITH CHOLESTEROL ESTERIFICATION BLOCK; NIEMANN-PICK DISEASE WITHOUT SPHINGOMYELINASE DEFICIENCY; NIEMANN-PICK DISEASE, CHRONIC NEURONOPATHIC FORM; NIEMANN-PICK DISEASE, VARIANT TYPE C1. Identifiers: Orphanet 646, MedGen C3179455, MONDO:0009757, OMIM 257220.

Allele frequency attached by ClinVar (database versions not stated): gnomAD exomes below 0.00001.

Submission:

Labcorp Genetics (formerly Invitae), Labcorp
Classification: Pathogenic for Niemann-Pick disease, type C1. Last evaluated: 2024-06-17. Review status: criteria provided, single submitter. Criteria: Invitae Variant Classification Sherloc (09022015). Collection method: clinical testing. Allele origin: germline.
Comment: This sequence change creates a premature translational stop signal (p.Phe1226Leufs*16) in the NPC1 gene. While this is not anticipated to result in nonsense mediated decay, it is expected to disrupt the last 53 amino acid(s) of the NPC1 protein. This variant is not present in population databases (gnomAD no frequency). This variant has not been reported in the literature in individuals affected with NPC1-related conditions. ClinVar contains an entry for this variant (Variation ID: 959341). Algorithms developed to predict the effect of sequence changes on RNA splicing suggest that this variant may disrupt the consensus splice site. This variant disrupts a region of the NPC1 protein in which other variant(s) (p.Leu1248Valfs*3) have been determined to be pathogenic (PMID: 10521290, 19744920). This suggests that this is a clinically significant region of the protein, and that variants that disrupt it are likely to be disease-causing. For these reasons, this variant has been classified as Pathogenic.

Literature cited by the submitters: PubMed 10521290; PubMed 19744920.

NM_000271.5(NPC1):c.3678del (p.Phe1226fs)

Gene: NPC1 (NPC intracellular cholesterol transporter 1; minus strand). Cytogenetic location: 18q11.2.
Variant type: Deletion.
Coding change: c.3678del on transcript NM_000271.5 (MANE Select); coding-DNA position 3678, one base deleted (C; older notation c.3678delC).
Protein change: p.Phe1226fs; shifts the reading frame from phenylalanine 1226.
Molecular consequence: frameshift variant.
Genome position (GRCh38, 1-based): chr18:23,533,431, G deleted on the plus strand (C on the coding strand, the reverse complement: NPC1 is on the minus strand). VCF-style (leftmost placement, unchanged base first): chr18-23533430-TG-T. GRCh37 (hg19) VCF-style: chr18-21113394-TG-T.
Other names: short protein forms F1226fs.
Identifiers: ClinVar variation 959341 (VCV000959341.9), dbSNP rs2058572084, ClinGen allele CA1139665975.